The following is an entry in ClinVar:

NM_002887.4(RARS1):c.1911A>G (p.Leu637=)

Gene: RARS1 (arginyl-tRNA synthetase 1; plus strand). Cytogenetic location: 5q34.
Variant type: single nucleotide variant.
Coding change: c.1911A>G on transcript NM_002887.4 (MANE Select); coding-DNA position 1911, A replaced by G.
Protein change: p.Leu637=; no amino-acid change (leucine 637 retained).
Molecular consequence: synonymous variant.
Genome position (GRCh38, 1-based): chr5:168,519,118, A>G. VCF-style: chr5-168519118-A-G. GRCh37 (hg19) VCF-style: chr5-167946123-A-G.
Identifiers: ClinVar variation 2174386 (VCV002174386.10), dbSNP rs753335612, ClinGen allele CA3550073.

ClinVar aggregate classification (germline): Likely benign. Review status: criteria provided, multiple submitters, no conflicts (2 of 4 stars). 2 submissions from 2 submitters: Likely benign (2). Last evaluated 2025-11-01.

Allele frequency attached by ClinVar (database versions not stated): gnomAD 0.00001; TOPMed 0.00002; ExAC 0.00003; gnomAD exomes 0.00004.
gnomAD v4.1: 65 of 1,613,982 alleles (0.004%); highest among the groups gnomAD compares: Admixed American, 0.0067%; no homozygotes.

Submissions (2):

CeGaT Center for Human Genetics Tuebingen
Classification: Likely benign. Last evaluated: 2025-11-01. Review status: criteria provided, single submitter. Criteria: CeGaT Center For Human Genetics Tuebingen Variant Classification Criteria Version 2. Collection method: clinical testing. Allele origin: germline. Affected: yes. Observed: 1 variant allele.
Comment: RARS1: BP4, BP7

Labcorp Genetics (formerly Invitae), Labcorp
Classification: Likely benign. Last evaluated: 2025-03-31. Review status: criteria provided, single submitter. Criteria: Invitae Variant Classification Sherloc (09022015). Collection method: clinical testing. Allele origin: germline.